The following is an entry in ClinVar:

NM_001349338.3(FOXP1):c.161C>T (p.Ala54Val)

Gene: FOXP1 (forkhead box P1; minus strand). Cytogenetic location: 3p13.
Variant type: single nucleotide variant.
Coding change: c.161C>T on transcript NM_001349338.3 (MANE Select); coding-DNA position 161, C replaced by T.
Protein change: p.Ala54Val; replaces alanine 54 with valine.
Molecular consequence: missense variant. On other transcripts: non-coding transcript variant (2).
Genome position (GRCh38, 1-based): chr3:71,198,221, G>A on the plus strand (C>T on the coding strand, the complement: FOXP1 is on the minus strand). VCF-style: chr3-71198221-G-A. GRCh37 (hg19) VCF-style: chr3-71247372-G-A.
Other names: c.161C>T, p.Ala54Val (NM_001012505.2, NM_001244808.3, NM_001244810.2 and 7 more transcripts); short protein forms A54V.
Identifiers: ClinVar variation 1776574 (VCV001776574.4), dbSNP rs1363644889, ClinGen allele CA353565010.

ClinVar aggregate classification (germline): Conflicting classifications of pathogenicity. Review status: criteria provided, conflicting classifications (1 of 4 stars). 2 submissions from 2 submitters: Uncertain significance (1); Likely benign (1). Last evaluated 2024-09-04.

Conditions:
Inborn genetic diseases. Identifiers: MedGen C0950123, MeSH D030342.

Allele frequency attached by ClinVar (database versions not stated): gnomAD exomes 0.00001.
gnomAD v4.1: 12 of 1,614,062 alleles (0.00074%); highest among the groups gnomAD compares: Admixed American, 0.0017%; no homozygotes.

Submissions (2):

Labcorp Genetics (formerly Invitae), Labcorp
Classification: Uncertain significance. Last evaluated: 2024-09-04. Review status: criteria provided, single submitter. Criteria: Invitae Variant Classification Sherloc (09022015). Collection method: clinical testing. Allele origin: germline.
Comment: This sequence change replaces alanine, which is neutral and non-polar, with valine, which is neutral and non-polar, at codon 54 of the FOXP1 protein (p.Ala54Val). This variant is present in population databases (no rsID available, gnomAD 0.0009%). This variant has not been reported in the literature in individuals affected with FOXP1-related conditions. ClinVar contains an entry for this variant (Variation ID: 1776574). Invitae Evidence Modeling of protein sequence and biophysical properties (such as structural, functional, and spatial information, amino acid conservation, physicochemical variation, residue mobility, and thermodynamic stability) has been performed for this missense variant. However, the output from this modeling did not meet the statistical confidence thresholds required to predict the impact of this variant on FOXP1 protein function. In summary, the available evidence is currently insufficient to determine the role of this variant in disease. Therefore, it has been classified as a Variant of Uncertain Significance.

Ambry Genetics
Classification: Likely benign for Inborn genetic diseases. Last evaluated: 2018-12-04. Review status: criteria provided, single submitter. Criteria: Ambry Variant Classification Scheme 2023. Collection method: clinical testing. Allele origin: germline.